The following is an entry in ClinVar:

ClinVar aggregate classification (germline): Likely benign (1 of 4 stars; one submission).

Allele frequency attached by ClinVar (database versions not stated): gnomAD exomes 0.00064; gnomAD 0.00563 and 0.00598; TOPMed 0.00584; 1000 Genomes Project 30x 0.00765; 1000 Genomes Project 0.00779.
gnomAD v4.1: 1,266 of 784,806 alleles (0.16%); highest among the groups gnomAD compares: African/African-American, 2%; 5 homozygotes.

Submission:

GeneDx
Classification: Likely benign. Last evaluated: 2018-06-18. Review status: criteria provided, single submitter. Criteria: GeneDx Variant Classification (06012015). Collection method: clinical testing. Allele origin: germline. Affected: yes.
Comment: This variant is considered likely benign or benign based on one or more of the following criteria: it is a conservative change, it occurs at a poorly conserved position in the protein, it is predicted to be benign by multiple in silico algorithms, and/or has population frequency not consistent with disease.

NM_000232.5(SGCB):c.622-118T>C

Gene: SGCB (sarcoglycan beta; minus strand). Cytogenetic location: 4q12.
Variant type: single nucleotide variant.
Coding change: c.622-118T>C on transcript NM_000232.5 (MANE Select); 118 bases into the intron before coding-DNA position 622, T replaced by C.
Molecular consequence: intron variant.
Genome position (GRCh38, 1-based): chr4:52,028,217, A>G on the plus strand (T>C on the coding strand, the complement: SGCB is on the minus strand). VCF-style: chr4-52028217-A-G. GRCh37 (hg19) VCF-style: chr4-52894383-A-G.
Identifiers: ClinVar variation 678981 (VCV000678981.1), dbSNP rs114495805, ClinGen allele CA96781178.